The following is an entry in ClinVar:

NM_138713.4(NFAT5):c.1545A>C (p.Glu515Asp)

Gene: NFAT5 (nuclear factor of activated T cells 5; plus strand). Cytogenetic location: 16q22.1.
Variant type: single nucleotide variant.
Coding change: c.1545A>C on transcript NM_138713.4 (MANE Select); coding-DNA position 1545, A replaced by C.
Protein change: p.Glu515Asp; replaces glutamic acid 515 with aspartic acid.
Molecular consequence: missense variant.
Genome position (GRCh38, 1-based): chr16:69,670,276, A>C. VCF-style: chr16-69670276-A-C. GRCh37 (hg19) VCF-style: chr16-69704179-A-C.
Other names: c.1545A>C, p.Glu515Asp (NM_001113178.3); c.873A>C, p.Glu291Asp (NM_001367709.1); c.1491A>C, p.Glu497Asp (NM_006599.4); c.1263A>C, p.Glu421Asp (NM_138714.4, NM_173214.3, NM_173215.3); short protein forms E291D, E421D, E497D, E515D.
Identifiers: ClinVar variation 2631058 (VCV002631058.1), dbSNP rs1405287120, ClinGen allele CA396497351.

ClinVar aggregate classification (germline): Uncertain significance (1 of 4 stars; one submission).

Conditions:
NFAT5-related disorder. Also called: NFAT5-related condition.

gnomAD v4.1: 1 of 1,578,068 alleles (0.000063%); highest among the groups gnomAD compares: Admixed American, 0.0018%; no homozygotes.

Submission:

PreventionGenetics, part of Exact Sciences
Classification: Uncertain significance for NFAT5-related condition. Last evaluated: 2023-09-19. Review status: criteria provided, single submitter. Criteria: ACMG Guidelines, 2015. Collection method: clinical testing. Allele origin: germline.
Comment: The NFAT5 c.1263A>C variant is predicted to result in the amino acid substitution p.Glu421Asp. To our knowledge, this variant has not been reported in the literature. This variant is reported in 0.0038% of alleles in individuals of Latino descent in gnomAD. At this time, the clinical significance of this variant is uncertain due to the absence of conclusive functional and genetic evidence.